The following is an entry in ClinVar:

NM_206933.4(USH2A):c.9371+1G>C

Gene: USH2A (usherin; minus strand). Cytogenetic location: 1q41.
Variant type: single nucleotide variant.
Coding change: c.9371+1G>C on transcript NM_206933.4 (MANE Select); the canonical splice donor site of the intron after coding-DNA position 9371, G replaced by C.
Molecular consequence: splice donor variant.
Genome position (GRCh38, 1-based): chr1:215,837,990, C>G on the plus strand (G>C on the coding strand, the complement: USH2A is on the minus strand). VCF-style: chr1-215837990-C-G. GRCh37 (hg19) VCF-style: chr1-216011332-C-G.
Identifiers: ClinVar variation 48624 (VCV000048624.28), dbSNP rs41308425, ClinGen allele CA262130.

ClinVar aggregate classification (germline): Pathogenic. Review status: criteria provided, multiple submitters, no conflicts (2 of 4 stars). 15 submissions from 14 submitters: Pathogenic (15). Last evaluated 2026-01-28.

Conditions:
Rare genetic deafness. Identifiers: Orphanet 96210, MedGen C5680250.
Usher syndrome. Also called: Usher Syndromes; Usher's syndrome. Identifiers: Orphanet 886, MedGen CN469326, MeSH D052245, MONDO:0019501. Disease mechanism: loss of function.
USH2A-related disorder. Also called: USH2A-related condition; USH2A-related disorders. Identifiers: MedGen CN239332.
Usher syndrome type 2A. Also called: USHER SYNDROME, TYPE IIA; RETINAL DISEASE IN USHER SYNDROME TYPE IIA, MODIFIER OF. Identifiers: Orphanet 231178, Orphanet 886, MedGen C1848634, MONDO:0010169, OMIM 276901.
Retinitis pigmentosa 39 (RP39). Identifiers: Orphanet 791, MedGen C3151138, MONDO:0013436, OMIM 613809.

Allele frequency attached by ClinVar (database versions not stated): ExAC 0.00001; TOPMed 0.00001; gnomAD exomes 0.00002.
gnomAD v4.1: 24 of 1,612,400 alleles (0.0015%); highest among the groups gnomAD compares: Non-Finnish European, 0.0017%; no homozygotes.

Submissions (15):

Labcorp Genetics (formerly Invitae), Labcorp
Classification: Pathogenic. Last evaluated: 2026-01-28. Review status: criteria provided, single submitter. Criteria: Invitae Variant Classification Sherloc (09022015). Collection method: clinical testing. Allele origin: germline.
Comment: This sequence change affects a donor splice site in intron 47 of the USH2A gene. It is expected to disrupt RNA splicing. Variants that disrupt the donor or acceptor splice site typically lead to a loss of protein function (PMID: 16199547), and loss-of-function variants in USH2A are known to be pathogenic (PMID: 10729113, 10909849, 20507924, 25649381). This variant is present in population databases (rs41308425, gnomAD 0.003%). Disruption of this splice site has been observed in individuals with retinitis pigmentosa or Usher syndrome (PMID: 22135276, 24938718, 26377068). ClinVar contains an entry for this variant (Variation ID: 48624). Algorithms developed to predict the effect of sequence changes on RNA splicing suggest that this variant may disrupt the consensus splice site. For these reasons, this variant has been classified as Pathogenic.

Natera, Inc.
Classification: Pathogenic for Usher syndrome type 2A. Last evaluated: 2025-05-16. Review status: criteria provided, single submitter. Criteria: Natera Variant Classification Schema (03/2026). Collection method: clinical testing. Allele origin: germline.
Comment: The c.9371+1G>C variant in USH2A is a canonical splice donor site variant predicted to affect pre-mRNA splicing, which may result in an abnormal transcript and altered protein product. This variant is expected to result in nonsense mediated decay, truncation, or a dysfunctional protein product. This variant is rare in the general population with a frequency below the threshold expected for the associated phenotype(s). This variant has been observed in one or more individuals affected with the associated recessive disease, as either homozygous or compound heterozygous with a second variant (PMID: 36785559, 33089500). Given the available evidence, this variant is classified as Pathogenic.

Blueprint Genetics
Classification: Pathogenic for USH2A-related disorders. Last evaluated: 2024-11-13. Review status: criteria provided, single submitter. Criteria: ACMG Guidelines, 2015. Collection method: clinical testing. Allele origin: germline. Affected: yes. Observed: 5 variant alleles.

Victorian Clinical Genetics Services, Murdoch Childrens Research Institute
Classification: Pathogenic for Usher syndrome type 2A. Last evaluated: 2024-10-09. Review status: criteria provided, single submitter. Criteria: ACMG Guidelines, 2015. Collection method: clinical testing. Allele origin: germline. Inheritance: Autosomal recessive inheritance. Affected: yes.
Comment: Based on the classification scheme VCGS_Germline_v1.3.4, this variant is classified as Pathogenic. Following criteria are met: 0102 - Loss of function is a known mechanism of disease in this gene and is associated with Usher syndrome, type 2A (MIM#276901) and retinitis pigmentosa (RP; MIM# 6138093). Null variants are associated with Usher syndrome while homozygous missense which lead to partially functional proteins typically causes non-syndromic RP (PMID: 20301515). (I) 0106 - This gene is associated with autosomal recessive disease. (I) 0211 - Canonical splice site variant without proven consequence on splicing (no functional evidence available). (SP) 0251 - This variant is heterozygous. (I) 0304 - Variant is present in gnomAD <0.01 for a recessive condition (v2: 4 heterozygotes, 0 homozygotes). (SP) 0505 - Abnormal splicing is predicted by in silico tools and affected nucleotide is highly conserved. (SP) 0801 - This variant has strong previous evidence of pathogenicity in unrelated individuals. This variant has been reported multiple times as pathogenic in individuals with Usher syndrome type 2 or retinitis pigmentosa (ClinVar; Deafness Variation Database; PMIDs: 22135276, 25472526). (SP) 1208 - Inheritance information for this variant is not currently available in this individual. (I) Legend: (SP) - Supporting pathogenic, (I) - Information, (SB) - Supporting benign

Women's Health and Genetics/Laboratory Corporation of America, LabCorp
Classification: Pathogenic for Usher syndrome. Last evaluated: 2024-08-15. Review status: criteria provided, single submitter. Criteria: LabCorp Variant Classification Summary - May 2015. Collection method: clinical testing. Allele origin: germline.
Comment: Variant summary: USH2A c.9371+1G>C is located in a canonical splice-site and is predicted to affect mRNA splicing resulting in a significantly altered protein due to either exon skipping, shortening, or inclusion of intronic material. Variants that disrupt the consensus splice site are a relatively common cause of aberrant splicing and loss of USH2A function. Several computational tools predict a significant impact on normal splicing: Three predict the variant abolishes a 5' splicing donor site. However, these predictions have yet to be confirmed by functional studies. The variant allele was found at a frequency of 1.6e-05 in 251224 control chromosomes. c.9371+1G>C has been reported in the literature in multiple individuals affected with Usher Syndrome or nonsyndromic retinitis pigmentosa (example, Le Quesne Stabej_2012, Reurink_2023, Xu_2014). These data indicate that the variant is likely to be associated with disease. The following publications have been ascertained in the context of this evaluation (PMID: 22135276, 36785559, 26377068, 24938718). ClinVar contains an entry for this variant (Variation ID: 48624). Based on the evidence outlined above, the variant was classified as pathogenic.

Fulgent Genetics
Classification: Pathogenic for Usher syndrome type 2A; Retinitis pigmentosa 39. Last evaluated: 2024-06-11. Review status: criteria provided, single submitter. Criteria: ACMG Guidelines, 2015. Collection method: clinical testing. Allele origin: germline.

Baylor Genetics
Classification: Pathogenic for Retinitis pigmentosa 39. Last evaluated: 2024-03-04. Review status: criteria provided, single submitter. Criteria: ACMG Guidelines, 2015. Collection method: clinical testing. Allele origin: unknown.

Genome-Nilou Lab
Classification: Pathogenic for Retinitis pigmentosa 39. Last evaluated: 2023-04-11. Review status: criteria provided, single submitter. Criteria: ACMG Guidelines, 2015. Collection method: clinical testing. Allele origin: germline. Affected: no.

Genome-Nilou Lab
Classification: Pathogenic for Usher syndrome type 2A. Last evaluated: 2023-04-11. Review status: criteria provided, single submitter. Criteria: ACMG Guidelines, 2015. Collection method: clinical testing. Allele origin: germline. Affected: no.

Clinical Genetics Laboratory, Skane University Hospital Lund
Classification: Pathogenic. Last evaluated: 2022-07-01. Review status: criteria provided, single submitter. Criteria: ACMG Guidelines, 2015. Collection method: clinical testing. Allele origin: germline. Affected: yes.

Ocular Genomics Institute, Massachusetts Eye and Ear
Classification: Pathogenic for Retinitis pigmentosa 39. Last evaluated: 2021-04-08. Review status: criteria provided, single submitter. Criteria: ACMG Guidelines, 2015. Collection method: research. Allele origin: germline. Affected: yes.
Comment: Through a review of available evidence we were able to apply the following criteria: PVS1, PM2, PP3. Based on this evidence we have classified this variant as Pathogenic.

GeneDx
Classification: Pathogenic. Last evaluated: 2020-04-20. Review status: criteria provided, single submitter. Criteria: GeneDx Variant Classification Process June 2021. Collection method: clinical testing. Allele origin: germline. Affected: yes.
Comment: Canonical splice site variant predicted to result in a null allele in a gene for which loss-of-function is a known mechanism of disease; Not observed at a significant frequency in large population cohorts (Lek et al., 2016); This variant is associated with the following publications: (PMID: 32176120, 25425308, 25649381, 26377068, 22135276, 24938718)

Centre for Genomic Medicine, Manchester, Central Manchester University Hospitals
Classification: Pathogenic for Usher syndrome type 2A. Last evaluated: 2019-02-01. Review status: criteria provided, single submitter. Criteria: ACMG Guidelines, 2015. Collection method: clinical testing. Allele origin: germline. Affected: yes. Observed: 1 variant allele, 1 compound heterozygote.

Eurofins Ntd Llc (ga)
Classification: Pathogenic. Last evaluated: 2016-11-30. Review status: criteria provided, single submitter. Criteria: EGL Classification Definitions 2015. Collection method: clinical testing. Allele origin: germline. Observed: 1 variant allele, 1 heterozygote.

Laboratory for Molecular Medicine, Mass General Brigham Personalized Medicine
Classification: Pathogenic for Rare genetic deafness. Last evaluated: 2016-06-23. Review status: criteria provided, single submitter. Criteria: LMM Criteria. Collection method: clinical testing. Allele origin: germline. Inheritance: Autosomal recessive inheritance. Observed: 2 variant alleles.
Comment: The c.9371+1G>C variant in USH2A has been reported in 5 individuals with Usher s yndrome with 4 of these individuals being compound heterozygous with a second pa thogenic USH2A variant (Le Quesne Stabej 2012, Zein 2015, Lenassi 2015, LMM data ). This variant occurs in the invariant region (+/- 1/2) of the splice consensus sequence and is predicted to cause altered splicing leading to an abnormal or a bsent protein. Loss of function of the USH2A gene is an established disease mech anism in autosomal recessive Usher syndrome. In summary, this variant meets our criteria to be classified as pathogenic for autosomal recessive Usher syndrome b ased on the predicted impact of the variant.

Literature cited by the submitters: PubMed 16199547 (cited by Labcorp Genetics (formerly Invitae), Labcorp); PubMed 10729113 (cited by Labcorp Genetics (formerly Invitae), Labcorp); PubMed 10909849 (cited by Labcorp Genetics (formerly Invitae), Labcorp); PubMed 20507924 (cited by Labcorp Genetics (formerly Invitae), Labcorp); PubMed 25649381 (cited by 3 submitters); PubMed 22135276 (cited by 5 submitters); PubMed 24938718 (cited by Labcorp Genetics (formerly Invitae), Labcorp and Women's Health and Genetics/Laboratory Corporation of America, LabCorp); PubMed 26377068 (cited by 4 submitters); PubMed 36785559 (cited by Natera, Inc. and Women's Health and Genetics/Laboratory Corporation of America, LabCorp); PubMed 33089500 (cited by Natera, Inc.); PubMed 20301515 (cited by Victorian Clinical Genetics Services, Murdoch Childrens Research Institute); PubMed 25472526 (cited by Victorian Clinical Genetics Services, Murdoch Childrens Research Institute); PubMed 25425308 (cited by Ocular Genomics Institute, Massachusetts Eye and Ear and Laboratory for Molecular Medicine, Mass General Brigham Personalized Medicine).